The following is an entry in ClinVar:

ClinVar aggregate classification (germline): Uncertain significance (1 of 4 stars; one submission).

Conditions:
Neuronal ceroid lipofuscinosis 1 (CLN1). Also called: CEROID LIPOFUSCINOSIS, NEURONAL, 1, VARIABLE AGE AT ONSET; PPT1-Related Neuronal Ceroid-Lipofuscinosis. Identifiers: Orphanet 228329, MedGen C1850451, MONDO:0009744, OMIM 256730.

Submission:

Labcorp Genetics (formerly Invitae), Labcorp
Classification: Uncertain significance for Neuronal ceroid lipofuscinosis 1. Last evaluated: 2022-07-12. Review status: criteria provided, single submitter. Criteria: Invitae Variant Classification Sherloc (09022015). Collection method: clinical testing. Allele origin: germline.
Comment: In summary, the available evidence is currently insufficient to determine the role of this variant in disease. Therefore, it has been classified as a Variant of Uncertain Significance. Variants that disrupt the consensus splice site are a relatively common cause of aberrant splicing (PMID: 17576681, 9536098). Algorithms developed to predict the effect of sequence changes on RNA splicing suggest that this variant is not likely to affect RNA splicing. ClinVar contains an entry for this variant (Variation ID: 643853). This variant has been observed in individual(s) with PPT1-related disease (Invitae). This variant is not present in population databases (gnomAD no frequency). This sequence change falls in intron 4 of the PPT1 gene. It does not directly change the encoded amino acid sequence of the PPT1 protein. It affects a nucleotide within the consensus splice site.

Literature cited by the submitters: PubMed 17576681; PubMed 9536098.

NM_000310.4(PPT1):c.433+5C>A

Gene: PPT1 (palmitoyl-protein thioesterase 1; minus strand). Cytogenetic location: 1p34.2.
Variant type: single nucleotide variant.
Coding change: c.433+5C>A on transcript NM_000310.4 (MANE Select); 5 bases into the intron after coding-DNA position 433, C replaced by A.
Molecular consequence: intron variant.
Genome position (GRCh38, 1-based): chr1:40,091,324, G>T on the plus strand (C>A on the coding strand, the complement: PPT1 is on the minus strand). VCF-style: chr1-40091324-G-T. GRCh37 (hg19) VCF-style: chr1-40556996-G-T.
Other names: c.125-1812C>A (NM_001142604.2); c.433+5C>A (NM_001363695.2).
Identifiers: ClinVar variation 643853 (VCV000643853.8), dbSNP rs1553167414, ClinGen allele CA915941210.
Genomic context (GRCh38, chr1:40,091,324, plus strand): 5'-TTTTTTAAATCAGGTGGTCATGTGGGTTAGAATACAGAAAAAAGAAAGCAAAGAGGCAAA[G>T]TTACCTTGATGTTGTCCCCCAACCGAGATCAGATTGATCATGGGAGGTGAAGGGCATCTC-3'